The following is an entry in ClinVar:

ClinVar aggregate classification (germline): Pathogenic. Review status: criteria provided, multiple submitters, no conflicts (2 of 4 stars). 2 submissions from 2 submitters: Pathogenic (2). Last evaluated 2025-01-22.

Conditions:
Hereditary cancer-predisposing syndrome. Also called: Tumor predisposition; Hereditary Cancer Syndrome; Neoplastic Syndromes, Hereditary; Hereditary neoplastic syndrome. Identifiers: Orphanet 140162, MedGen C0027672, MeSH D009386, MONDO:0015356.
Hereditary pheochromocytoma and paraganglioma. Also called: Hereditary paragangliomas and pheochromocytomas; Hereditary Paraganglioma-Pheochromocytoma Syndromes; Hereditary pheochromocytoma-paraganglioma. Identifiers: Orphanet 29072, MedGen C4274332, MONDO:0017366.

Submissions (2):

Ambry Genetics
Classification: Pathogenic for Hereditary cancer-predisposing syndrome. Last evaluated: 2025-01-22. Review status: criteria provided, single submitter. Criteria: Ambry Variant Classification Scheme 2023. Collection method: clinical testing. Allele origin: germline.
Comment: The p.M1? pathogenic mutation (also known as c.3G>A) is located in coding exon 1 of the MAX gene and results from a G to A substitution at nucleotide position 3. This alters the methionine residue at the initiation codon (ATG). This variant was reported in individual(s) with features consistent with MAX-related hereditary paraganglioma-pheochromocytoma (Ben Aim L et al. J Med Genet. 2019 Aug;56(8):513-520, Choi H et al. Endocrinol Metab (Seoul). 2020 Dec;35(4):858-872, Yonamine M et al. Cancers (Basel). 2021 Aug;13(16), Parisien-La Salle S et al. Clin Endocrinol (Oxf). 2022 Jun;96(6):803-811). This variant is considered to be rare based on population cohorts in the Genome Aggregation Database (gnomAD). In addition to the clinical data presented in the literature, sequence variations that modify the initiation codon are expected to result in either loss of translation initiation, N-terminal truncation, or cause a shift in the mRNA reading frame. Based on the supporting evidence, this variant is interpreted as a disease-causing mutation.

Labcorp Genetics (formerly Invitae), Labcorp
Classification: Pathogenic for Hereditary pheochromocytoma and paraganglioma. Last evaluated: 2024-06-25. Review status: criteria provided, single submitter. Criteria: Invitae Variant Classification Sherloc (09022015). Collection method: clinical testing. Allele origin: germline.
Comment: This sequence change affects the initiator methionine of the MAX mRNA. The next in-frame methionine is located at codon 74. This variant is not present in population databases (gnomAD no frequency). Disruption of the initiator codon has been observed in individuals with clinical features of paraganglioma-pheochromocytoma syndrome (PMID: 21685915, 22452945, 30877234; Invitae). For these reasons, this variant has been classified as Pathogenic.

Literature cited by the submitters: PubMed 30877234 (cited by Ambry Genetics and Labcorp Genetics (formerly Invitae), Labcorp); PubMed 33397040 (cited by Ambry Genetics); PubMed 34439168 (cited by Ambry Genetics); PubMed 34750850 (cited by Ambry Genetics); PubMed 21685915 (cited by Labcorp Genetics (formerly Invitae), Labcorp); PubMed 22452945 (cited by Labcorp Genetics (formerly Invitae), Labcorp).

NM_002382.5(MAX):c.3G>A (p.Met1Ile)

Genes: MAX (MYC associated transcriptional regulator X; minus strand), LOC130055850 (ATAC-STARR-seq lymphoblastoid silent region 5847; plus strand). Cytogenetic location: 14q23.3.
Variant type: single nucleotide variant.
Coding change: c.3G>A on transcript NM_002382.5 (MANE Select); coding-DNA position 3, G replaced by A.
Protein change: p.Met1Ile; changes the start codon (methionine 1).
Molecular consequence: missense variant, initiator codon variant. On other transcripts: 5 prime UTR variant (2), intron variant (2).
Genome position (GRCh38, 1-based): chr14:65,102,337, C>T on the plus strand (G>A on the coding strand, the complement: MAX is on the minus strand). VCF-style: chr14-65102337-C-T. GRCh37 (hg19) VCF-style: chr14-65569055-C-T.
Other names: c.3G>A, p.Met1Ile (NM_001271068.2, NM_001271069.2, NM_001407094.1 and 18 more transcripts); c.-272G>A (NM_001320415.2); c.-245G>A (NM_001407107.1); c.-305+172G>A (NM_001407112.1); c.-239+172G>A (NM_001407106.1); short protein forms M1I.
Identifiers: ClinVar variation 3707945 (VCV003707945.3).